The following is an entry in ClinVar:

NM_005609.4(PYGM):c.1240C>G (p.Arg414Gly)

Gene: PYGM (glycogen phosphorylase, muscle associated; minus strand). Cytogenetic location: 11q13.1.
Variant type: single nucleotide variant.
Coding change: c.1240C>G on transcript NM_005609.4 (MANE Select); coding-DNA position 1240, C replaced by G.
Protein change: p.Arg414Gly; replaces arginine 414 with glycine.
Molecular consequence: missense variant.
Genome position (GRCh38, 1-based): chr11:64,753,682, G>C on the plus strand (C>G on the coding strand, the complement: PYGM is on the minus strand). VCF-style: chr11-64753682-G-C. GRCh37 (hg19) VCF-style: chr11-64521154-G-C.
Other names: c.976C>G, p.Arg326Gly (NM_001164716.1); short protein forms R414G, R326G.
Identifiers: ClinVar variation 95289 (VCV000095289.24), dbSNP rs11231866, ClinGen allele CA148392.

ClinVar aggregate classification (germline): Benign. Review status: criteria provided, multiple submitters, no conflicts (2 of 4 stars). 9 submissions from 9 submitters: Benign (6). 3 of the submissions do not count toward it. Last evaluated 2026-02-04.

Conditions:
Glycogen storage disease, type V (GSD5). Also called: MUSCLE GLYCOGEN PHOSPHORYLASE DEFICIENCY; MYOPHOSPHORYLASE DEFICIENCY; PYGM DEFICIENCY; McArdle type glycogen storage disease; MCARDLE DISEASE. Identifiers: Orphanet 368, MedGen C0017924, MONDO:0009293, OMIM 232600.

Allele frequency attached by ClinVar (database versions not stated): TOPMed 0.05874; 1000 Genomes Project 0.05911; ESP Exome Variant Server 0.06106; 1000 Genomes Project 30x 0.06324.
gnomAD v4.1: 16,117 of 1,605,310 alleles (1%); highest among the groups gnomAD compares: African/African-American, 19%; 1,362 homozygotes.

Submissions (9):

Labcorp Genetics (formerly Invitae), Labcorp
Classification: Benign for Glycogen storage disease, type V. Last evaluated: 2026-02-04. Review status: criteria provided, single submitter. Criteria: Invitae Variant Classification Sherloc (09022015). Collection method: clinical testing. Allele origin: germline.

Illumina Laboratory Services, Illumina
Classification: Benign for Glycogen storage disease, type V. Last evaluated: 2018-01-13. Review status: criteria provided, single submitter. Criteria: ICSL Variant Classification Criteria 13 December 2019. Collection method: clinical testing. Allele origin: germline.
Comment: This variant was observed in the ICSL laboratory as part of a predisposition screen in an ostensibly healthy population. It had not been previously curated by ICSL or reported in the Human Gene Mutation Database (HGMD: prior to June 1st, 2018), and was therefore a candidate for classification through an automated scoring system. Utilizing variant allele frequency, disease prevalence and penetrance estimates, and inheritance mode, an automated score was calculated to assess if this variant is too frequent to cause the disease. Based on the score and internal cut-off values, a variant classified as benign is not then subjected to further curation. The score for this variant resulted in a classification of benign for this disease.

GeneDx
Classification: Benign. Last evaluated: 2015-03-03. Review status: criteria provided, single submitter. Criteria: GeneDx Variant Classification Process June 2021. Collection method: clinical testing. Allele origin: germline. Affected: yes.

Eurofins Ntd Llc (ga)
Classification: Benign. Last evaluated: 2014-11-13. Review status: criteria provided, single submitter. Criteria: EGL Classification Definitions 2015. Collection method: clinical testing. Allele origin: germline. Observed: 15 variant alleles, 14 heterozygotes, 1 homozygote.

Breakthrough Genomics
Classification: Benign. Review status: criteria provided, single submitter. Criteria: ACMG Guidelines, 2015. Collection method: not provided. Allele origin: germline. Inheritance: Autosomal recessive inheritance. Affected: yes.

PreventionGenetics, part of Exact Sciences
Classification: Benign. Review status: criteria provided, single submitter. Criteria: ACMG Guidelines, 2015. Collection method: clinical testing. Allele origin: germline.

Natera, Inc.
Classification: Benign for Glycogen storage disease V. Last evaluated: 2020-09-16. Review status: no assertion criteria provided. Collection method: clinical testing. Allele origin: germline. Not counted in ClinVar's aggregate classification.

Mayo Clinic Laboratories, Mayo Clinic
Classification: Benign. Last evaluated: 2017-04-17. Review status: no assertion criteria provided. Collection method: clinical testing. Allele origin: unknown. Not counted in ClinVar's aggregate classification.

GeneReviews
No classification provided. Condition: Glycogen storage disease, type V. Review status: no classification provided. Collection method: literature only. Allele origin: germline. Affected: yes. Not counted in ClinVar's aggregate classification.

Literature cited by the submitters: NCBI Bookshelf NBK1344 (cited by GeneReviews).